The following is an entry in ClinVar:

NM_004839.4(HOMER2):c.998G>A (p.Arg333His)

Gene: HOMER2 (homer scaffold protein 2; minus strand). Cytogenetic location: 15q25.2.
Variant type: single nucleotide variant.
Coding change: c.998G>A on transcript NM_004839.4 (MANE Select); coding-DNA position 998, G replaced by A.
Protein change: p.Arg333His; replaces arginine 333 with histidine.
Molecular consequence: missense variant.
Genome position (GRCh38, 1-based): chr15:82,849,749, C>T on the plus strand (G>A on the coding strand, the complement: HOMER2 is on the minus strand). VCF-style: chr15-82849749-C-T. GRCh37 (hg19) VCF-style: chr15-83518501-C-T.
Other names: c.1031G>A, p.Arg344His (NM_199330.3); short protein forms R333H, R344H.
Identifiers: ClinVar variation 2195942 (VCV002195942.4), dbSNP rs746045063, ClinGen allele CA7701944.

ClinVar aggregate classification (germline): Uncertain significance (1 of 4 stars; one submission).

Allele frequency attached by ClinVar (database versions not stated): ExAC 0.00001; TOPMed 0.00002; gnomAD 0.00003.
gnomAD v4.1: 91 of 1,613,698 alleles (0.0056%); highest among the groups gnomAD compares: Non-Finnish European, 0.0073%; no homozygotes.

Submission:

Labcorp Genetics (formerly Invitae), Labcorp
Classification: Uncertain significance. Last evaluated: 2022-06-23. Review status: criteria provided, single submitter. Criteria: Invitae Variant Classification Sherloc (09022015). Collection method: clinical testing. Allele origin: germline.
Comment: The frequency data for this variant in the population databases is considered unreliable, as metrics indicate poor data quality at this position in the gnomAD database. This sequence change replaces arginine, which is basic and polar, with histidine, which is basic and polar, at codon 333 of the HOMER2 protein (p.Arg333His). In summary, the available evidence is currently insufficient to determine the role of this variant in disease. Therefore, it has been classified as a Variant of Uncertain Significance. Algorithms developed to predict the effect of missense changes on protein structure and function are either unavailable or do not agree on the potential impact of this missense change (SIFT: "Deleterious"; PolyPhen-2: "Probably Damaging"; Align-GVGD: "Class C0"). This variant has not been reported in the literature in individuals affected with HOMER2-related conditions.